The following is an entry in ClinVar:

NM_001089.3(ABCA3):c.4012G>A (p.Ala1338Thr)

Gene: ABCA3 (ATP binding cassette subfamily A member 3; minus strand). Cytogenetic location: 16p13.3.
Variant type: single nucleotide variant.
Coding change: c.4012G>A on transcript NM_001089.3 (MANE Select); coding-DNA position 4012, G replaced by A.
Protein change: p.Ala1338Thr; replaces alanine 1338 with threonine.
Molecular consequence: missense variant.
Genome position (GRCh38, 1-based): chr16:2,283,209, C>T on the plus strand (G>A on the coding strand, the complement: ABCA3 is on the minus strand). VCF-style: chr16-2283209-C-T. GRCh37 (hg19) VCF-style: chr16-2333210-C-T.
Other names: short protein forms A1338T.
Identifiers: ClinVar variation 318402 (VCV000318402.16), dbSNP rs149871856, ClinGen allele CA7840309.

ClinVar aggregate classification (germline): Conflicting classifications of pathogenicity. Review status: criteria provided, conflicting classifications (1 of 4 stars). 7 submissions from 7 submitters: Uncertain significance (5); Benign (1). 1 of the submissions does not count toward it. Last evaluated 2026-01-24.

Conditions:
ABCA3-related disorder. Also called: ABCA3-related condition.
Hereditary pulmonary alveolar proteinosis. Also called: Pulmonary surfactant metabolism dysfunction. Identifiers: Orphanet 264675, MedGen C3711368, MONDO:0012580.
Interstitial lung disease due to ABCA3 deficiency. Also called: PULMONARY ALVEOLAR PROTEINOSIS, CONGENITAL, 3. Identifiers: Orphanet 440402, MedGen C1970456, MONDO:0012582, OMIM 610921.

Allele frequency attached by ClinVar (database versions not stated): gnomAD exomes 0.00019 and 0.00044; ESP Exome Variant Server 0.00023; TOPMed 0.00034; gnomAD 0.00036 and 0.00038; ExAC 0.00037.
gnomAD v4.1: 353 of 1,613,214 alleles (0.022%); highest among the groups gnomAD compares: African/African-American, 0.044%; no homozygotes.

Submissions (7):

Labcorp Genetics (formerly Invitae), Labcorp
Classification: Benign. Last evaluated: 2026-01-24. Review status: criteria provided, single submitter. Criteria: Invitae Variant Classification Sherloc (09022015). Collection method: clinical testing. Allele origin: germline.

Blueprint Genetics
Classification: Uncertain significance. Last evaluated: 2024-09-10. Review status: criteria provided, single submitter. Criteria: ACMG Guidelines, 2015. Collection method: clinical testing. Allele origin: germline.

Women's Health and Genetics/Laboratory Corporation of America, LabCorp
Classification: Uncertain significance. Last evaluated: 2023-02-16. Review status: criteria provided, single submitter. Criteria: LabCorp Variant Classification Summary - May 2015. Collection method: clinical testing. Allele origin: germline.
Comment: Variant summary: ABCA3 c.4012G>A (p.Ala1338Thr) results in a non-conservative amino acid change in the encoded protein sequence. Four of five in-silico tools predict a benign effect of the variant on protein function. The variant allele was found at a frequency of 0.00044 in 249974 control chromosomes. This frequency is not significantly higher than estimated for a pathogenic variant in ABCA3 causing Pulmonary surfactant metabolism dysfunction (0.00044 vs 0.0011), allowing no conclusion about variant significance. c.4012G>A has been reported in the literature in a compound heterozygous individual affected with neonatal respiratory disease without evidence of cosegregation (Kroner_2017). This report does not provide unequivocal conclusions about association of the variant with Pulmonary surfactant metabolism dysfunction. To our knowledge, no experimental evidence demonstrating an impact on protein function has been reported. Four submitters have provided clinical-significance assessments for this variant to ClinVar after 2014, and classified it as uncertain significance (n=3) or benign (n=1). Based on the evidence outlined above, the variant was classified as uncertain significance.

Fulgent Genetics
Classification: Uncertain significance for Interstitial lung disease due to ABCA3 deficiency. Last evaluated: 2022-05-26. Review status: criteria provided, single submitter. Criteria: ACMG Guidelines, 2015. Collection method: clinical testing. Allele origin: unknown.

Illumina Laboratory Services, Illumina
Classification: Uncertain significance for Interstitial lung disease due to ABCA3 deficiency. Last evaluated: 2018-01-13. Review status: criteria provided, single submitter. Criteria: ICSL Variant Classification Criteria 13 December 2019. Collection method: clinical testing. Allele origin: germline.

Ambry Genetics
Classification: Uncertain significance for Hereditary pulmonary alveolar proteinosis. Last evaluated: 2017-07-01. Review status: criteria provided, single submitter. Criteria: Ambry Variant Classification Scheme 2023. Collection method: clinical testing. Allele origin: germline.
Comment: The p.A1338T variant (also known as c.4012G>A), located in coding exon 23 of the ABCA3 gene, results from a G to A substitution at nucleotide position 4012. The alanine at codon 1338 is replaced by threonine, an amino acid with similar properties. This amino acid position is not well conserved in available vertebrate species. In addition, this alteration is predicted to be tolerated by in silico analysis. Since supporting evidence is limited at this time, the clinical significance of this alteration remains unclear.

PreventionGenetics, part of Exact Sciences
Classification: Likely benign for ABCA3-related condition. Last evaluated: 2020-02-21. Review status: no assertion criteria provided. Collection method: clinical testing. Allele origin: germline. Not counted in ClinVar's aggregate classification.
Comment: This variant is classified as likely benign based on ACMG/AMP sequence variant interpretation guidelines (Richards et al. 2015 PMID: 25741868, with internal and published modifications).

Literature cited by the submitters: PubMed 27516224 (cited by Women's Health and Genetics/Laboratory Corporation of America, LabCorp).